The following is an entry in ClinVar:

NM_006231.4(POLE):c.3947G>T (p.Gly1316Val)

Gene: POLE (DNA polymerase epsilon, catalytic subunit; minus strand). Cytogenetic location: 12q24.33.
Variant type: single nucleotide variant.
Coding change: c.3947G>T on transcript NM_006231.4 (MANE Select); coding-DNA position 3947, G replaced by T.
Protein change: p.Gly1316Val; replaces glycine 1316 with valine.
Molecular consequence: missense variant.
Genome position (GRCh38, 1-based): chr12:132,649,364, C>A on the plus strand (G>T on the coding strand, the complement: POLE is on the minus strand). VCF-style: chr12-132649364-C-A. GRCh37 (hg19) VCF-style: chr12-133225950-C-A.
Other names: short protein forms G1316V.
Identifiers: ClinVar variation 4740933 (VCV004740933.1).

ClinVar aggregate classification (germline): Uncertain significance (1 of 4 stars; one submission).

Submission:

Labcorp Genetics (formerly Invitae), Labcorp
Classification: Uncertain significance. Last evaluated: 2025-07-27. Review status: criteria provided, single submitter. Criteria: Invitae Variant Classification Sherloc (09022015). Collection method: clinical testing. Allele origin: germline.
Comment: This sequence change replaces glycine, which is neutral and non-polar, with valine, which is neutral and non-polar, at codon 1316 of the POLE protein (p.Gly1316Val). This variant is not present in population databases (gnomAD no frequency). This variant has not been reported in the literature in individuals affected with POLE-related conditions. Invitae Evidence Modeling of protein sequence and biophysical properties (such as structural, functional, and spatial information, amino acid conservation, physicochemical variation, residue mobility, and thermodynamic stability) indicates that this missense variant is not expected to disrupt POLE protein function with a negative predictive value of 80%. In summary, the available evidence is currently insufficient to determine the role of this variant in disease. Therefore, it has been classified as a Variant of Uncertain Significance.